The following is an entry in ClinVar:

ClinVar aggregate classification (germline): Uncertain significance (1 of 4 stars; one submission).

Conditions:
Aortic aneurysm, familial thoracic 7 (AAT7). Also called: AORTIC DISSECTION, FAMILIAL, WITH OR WITHOUT AORTIC ANEURYSM. Identifiers: MedGen C3151077, MONDO:0013418, OMIM 613780.

Submission:

Labcorp Genetics (formerly Invitae), Labcorp
Classification: Uncertain significance for Aortic aneurysm, familial thoracic 7. Last evaluated: 2022-08-08. Review status: criteria provided, single submitter. Criteria: Invitae Variant Classification Sherloc (09022015). Collection method: clinical testing. Allele origin: germline.
Comment: This sequence change replaces lysine, which is basic and polar, with asparagine, which is neutral and polar, at codon 5 of the MYLK protein (p.Lys5Asn). This variant is not present in population databases (gnomAD no frequency). This variant has not been reported in the literature in individuals affected with MYLK-related conditions. Advanced modeling of protein sequence and biophysical properties (such as structural, functional, and spatial information, amino acid conservation, physicochemical variation, residue mobility, and thermodynamic stability) performed at Invitae indicates that this missense variant is not expected to disrupt MYLK protein function. In summary, the available evidence is currently insufficient to determine the role of this variant in disease. Therefore, it has been classified as a Variant of Uncertain Significance.

NM_053025.4(MYLK):c.15G>C (p.Lys5Asn)

Gene: MYLK (myosin light chain kinase; minus strand). Cytogenetic location: 3q21.1.
Variant type: single nucleotide variant.
Coding change: c.15G>C on transcript NM_053025.4 (MANE Select); coding-DNA position 15, G replaced by C.
Protein change: p.Lys5Asn; replaces lysine 5 with asparagine.
Molecular consequence: missense variant. On other transcripts: 5 prime UTR variant (1).
Genome position (GRCh38, 1-based): chr3:123,793,827, C>G on the plus strand (G>C on the coding strand, the complement: MYLK is on the minus strand). VCF-style: chr3-123793827-C-G. GRCh37 (hg19) VCF-style: chr3-123512674-C-G.
Other names: c.15G>C, p.Lys5Asn (NM_053028.4, NM_053026.4, NM_053027.4); c.-306G>C (NM_001321309.2); short protein forms K5N.
Identifiers: ClinVar variation 1714454 (VCV001714454.5), dbSNP rs777696799, ClinGen allele CA354237375.